The following is an entry in ClinVar:

ClinVar aggregate classification (germline): Likely pathogenic (1 of 4 stars; one submission).

Conditions:
Ehlers-Danlos syndrome, classic type, 1 (EDSCL1). Also called: EHLERS-DANLOS SYNDROME, GRAVIS TYPE; EHLERS-DANLOS SYNDROME, SEVERE CLASSIC TYPE; Ehlers-Danlos syndrome, type 1; Ehlers-Danlos Syndrome, Classic Type, COL5A1-Related; EDS I. Identifiers: MedGen C0268335, MONDO:0019567, OMIM 130000.

Submission:

Labcorp Genetics (formerly Invitae), Labcorp
Classification: Likely pathogenic for Ehlers-Danlos syndrome, classic type, 1. Last evaluated: 2024-12-19. Review status: criteria provided, single submitter. Criteria: Invitae Variant Classification Sherloc (09022015). Collection method: clinical testing. Allele origin: germline.
Comment: This sequence change affects a donor splice site in intron 1 of the COL5A1 gene. It is expected to disrupt RNA splicing. Variants that disrupt the donor or acceptor splice site typically lead to a loss of protein function (PMID: 16199547), and loss-of-function variants in COL5A1 are known to be pathogenic (PMID: 23587214). This variant is not present in population databases (gnomAD no frequency). This variant has not been reported in the literature in individuals affected with COL5A1-related conditions. Algorithms developed to predict the effect of sequence changes on RNA splicing suggest that this variant may disrupt the consensus splice site. In summary, the currently available evidence indicates that the variant is pathogenic, but additional data are needed to prove that conclusively. Therefore, this variant has been classified as Likely Pathogenic.

Literature cited by the submitters: PubMed 16199547; PubMed 23587214.

NM_000093.5(COL5A1):c.109+1G>A

Gene: COL5A1 (collagen type V alpha 1 chain; plus strand). Cytogenetic location: 9q34.3.
Variant type: single nucleotide variant.
Coding change: c.109+1G>A on transcript NM_000093.5 (MANE Select); the canonical splice donor site of the intron after coding-DNA position 109, G replaced by A.
Molecular consequence: splice donor variant.
Genome position (GRCh38, 1-based): chr9:134,642,297, G>A. VCF-style: chr9-134642297-G-A. GRCh37 (hg19) VCF-style: chr9-137534143-G-A.
Other names: c.109+1G>A (NM_001278074.1).
Identifiers: ClinVar variation 3727674 (VCV003727674.2).